The following is an entry in ClinVar:

ClinVar aggregate classification (germline): Uncertain significance (1 of 4 stars; one submission).

gnomAD v4.1: 1 of 1,356,696 alleles (0.000074%); no homozygotes.

Submission:

Labcorp Genetics (formerly Invitae), Labcorp
Classification: Uncertain significance. Last evaluated: 2025-03-11. Review status: criteria provided, single submitter. Criteria: Invitae Variant Classification Sherloc (09022015). Collection method: clinical testing. Allele origin: germline.
Comment: This sequence change replaces alanine, which is neutral and non-polar, with valine, which is neutral and non-polar, at codon 481 of the ARID1B protein (p.Ala481Val). This variant is not present in population databases (gnomAD no frequency). This variant has not been reported in the literature in individuals affected with ARID1B-related conditions. Invitae Evidence Modeling of protein sequence and biophysical properties (such as structural, functional, and spatial information, amino acid conservation, physicochemical variation, residue mobility, and thermodynamic stability) indicates that this missense variant is not expected to disrupt ARID1B protein function with a negative predictive value of 95%. In summary, the available evidence is currently insufficient to determine the role of this variant in disease. Therefore, it has been classified as a Variant of Uncertain Significance.

NM_001374828.1(ARID1B):c.1691C>T (p.Ala564Val)

Gene: ARID1B (AT-rich interaction domain 1B; plus strand). Cytogenetic location: 6q25.3.
Variant type: single nucleotide variant.
Coding change: c.1691C>T on transcript NM_001374828.1 (MANE Select); coding-DNA position 1691, C replaced by T.
Protein change: p.Ala564Val; replaces alanine 564 with valine.
Molecular consequence: missense variant.
Genome position (GRCh38, 1-based): chr6:156,779,371, C>T. VCF-style: chr6-156779371-C-T. GRCh37 (hg19) VCF-style: chr6-157100505-C-T.
Other names: c.1691C>T, p.Ala564Val (NM_001371656.1, NM_001374820.1, NM_001438482.1 and 9 more transcripts); short protein forms A564V.
Identifiers: ClinVar variation 4812210 (VCV004812210.1).
Genomic context (GRCh38, chr6:156,779,371, plus strand): 5'-GGGCGGCGGCGGGCGGCCAGCAGGCGGCCGCGGGCATGGGCTTGGGCAAGGACATGGGCG[C>T]CCAGTACGCCGCTGCCAGCCCGGCCTGGGCGGCCGCGCAACAAAGGAGTCACCCGGCGAT-3'
Protein context (NP_001361757.1, residues 554-574): AGMGLGKDMG[Ala564Val]QYAAASPAWA